The following is an entry in ClinVar:

NM_000059.4(BRCA2):c.5C>A (p.Pro2His)

Gene: BRCA2 (BRCA2 DNA repair associated; plus strand). Cytogenetic location: 13q13.1.
Variant type: single nucleotide variant.
Coding change: c.5C>A on transcript NM_000059.4 (MANE Select); coding-DNA position 5, C replaced by A.
Protein change: p.Pro2His; replaces proline 2 with histidine.
Molecular consequence: missense variant. On other transcripts: non-coding transcript variant (1), intron variant (1).
Genome position (GRCh38, 1-based): chr13:32,316,465, C>A. VCF-style: chr13-32316465-C-A. GRCh37 (hg19) VCF-style: chr13-32890602-C-A.
Other names: c.5C>A, p.Pro2His (NM_001406719.1, NM_001406720.1, NM_001406721.1 and 1 more transcripts); c.-303+798C>A (NM_001406722.1); short protein forms P2H.
Identifiers: ClinVar variation 4856507 (VCV004856507.1).

ClinVar aggregate classification (germline): Likely benign (1 of 4 stars; one submission).

Conditions:
Breast-ovarian cancer, familial, susceptibility to, 2 (BROVCA2). Also called: BRCA2 Hereditary Breast and Ovarian Cancer. Identifiers: Orphanet 145, MedGen C2675520, MONDO:0012933, OMIM 612555. Disease mechanism: loss of function.

gnomAD v4.1: 1 of 1,613,736 alleles (0.000062%); highest among the groups gnomAD compares: Non-Finnish European, 0.000085%; no homozygotes.

Submission:

Cancer Bioinformatics and Tumour Evolution Laboratory, Monash University
Classification: Likely benign for Breast-ovarian cancer, familial, susceptibility to, 2. Last evaluated: 2026-05-01. Review status: criteria provided, single submitter. Criteria: ClinGen BRCA1 and BRCA2 Guidelines, 2024. Collection method: curation. Allele origin: germline. Inheritance: Autosomal dominant inheritance.
Comment: PMID: 39281752 - A large scale study to determine the case-control LR of BRCA1 and BRCA2 variants. The data was consolidated in the ccLR browser. This variant was found in the browser with a LR of 0.706031031 which is in the no evidence range according to the BRCA1 and BRCA2 VCEP. Hence, no evidence code is applied. PMID: 35912982 - Pro2 contributes to the stability of the N-terminus a/this study along with the first four codons of BRCA2. But there is insufficient functional evidence to apply an evidence code. Missense variant outside of a functional domain with no splice impact. BRCA1 and BRCA2 VCEP guidelines recommend application of BP1_Strong (PMID: 39142283)

Literature cited by the submitters: PubMed 39281752; PubMed 35912982.